The following is an entry in ClinVar:

NM_000065.5(C6):c.152T>A (p.Val51Glu)

Gene: C6 (complement C6; minus strand). Cytogenetic location: 5p13.1.
Variant type: single nucleotide variant.
Coding change: c.152T>A on transcript NM_000065.5 (MANE Select); coding-DNA position 152, T replaced by A.
Protein change: p.Val51Glu; replaces valine 51 with glutamic acid.
Molecular consequence: missense variant.
Genome position (GRCh38, 1-based): chr5:41,201,706, A>T on the plus strand (T>A on the coding strand, the complement: C6 is on the minus strand). VCF-style: chr5-41201706-A-T. GRCh37 (hg19) VCF-style: chr5-41201808-A-T.
Other names: c.152T>A, p.Val51Glu (NM_001115131.4); short protein forms V51E.
Identifiers: ClinVar variation 2119383 (VCV002119383.4), dbSNP rs201367630, ClinGen allele CA359605430.

ClinVar aggregate classification (germline): Uncertain significance (1 of 4 stars; one submission).

gnomAD v4.1: 11 of 1,613,494 alleles (0.00068%); highest among the groups gnomAD compares: Non-Finnish European, 0.00076%; no homozygotes.

Submission:

Labcorp Genetics (formerly Invitae), Labcorp
Classification: Uncertain significance. Last evaluated: 2022-03-29. Review status: criteria provided, single submitter. Criteria: Invitae Variant Classification Sherloc (09022015). Collection method: clinical testing. Allele origin: germline.
Comment: In summary, the available evidence is currently insufficient to determine the role of this variant in disease. Therefore, it has been classified as a Variant of Uncertain Significance. Algorithms developed to predict the effect of sequence changes on RNA splicing suggest that this variant may create or strengthen a splice site. Algorithms developed to predict the effect of missense changes on protein structure and function output the following: SIFT: "Tolerated"; PolyPhen-2: "Benign"; Align-GVGD: "Class C0". The glutamic acid amino acid residue is found in multiple mammalian species, which suggests that this missense change does not adversely affect protein function. This variant has not been reported in the literature in individuals affected with C6-related conditions. This variant is not present in population databases (gnomAD no frequency). This sequence change replaces valine, which is neutral and non-polar, with glutamic acid, which is acidic and polar, at codon 51 of the C6 protein (p.Val51Glu).